The following is an entry in ClinVar:

ClinVar aggregate classification (germline): Benign/Likely benign. Review status: criteria provided, multiple submitters, no conflicts (2 of 4 stars). 3 submissions from 3 submitters: Benign (1); Likely benign (2). Last evaluated 2024-11-06.

Conditions:
Hereditary cancer-predisposing syndrome. Also called: Neoplastic Syndromes, Hereditary; Hereditary Cancer Syndrome; Tumor predisposition; Hereditary neoplastic syndrome. Identifiers: Orphanet 140162, MedGen C0027672, MeSH D009386, MONDO:0015356.
Renal cell carcinoma. Identifiers: Orphanet 217071, MedGen C0007134, MeSH D002292, MONDO:0005086, HP:0005584.
Papillary renal cell carcinoma type 1 (RCCP1). Also called: RENAL CELL CARCINOMA, PAPILLARY, 1, SOMATIC; Renal adenocarcinoma; Renal cell carcinoma 1; Renal cell carcinoma, somatic. Identifiers: Orphanet 47044, MedGen C1336839, OMIM 605074, HP:0011797.

Submissions (3):

Myriad Genetics, Inc.
Classification: Benign for Papillary renal cell carcinoma type 1. Last evaluated: 2024-11-06. Review status: criteria provided, single submitter. Criteria: Myriad Autosomal Dominant, Autosomal Recessive and X-Linked Classification Criteria (2023). Collection method: clinical testing. Allele origin: unknown.
Comment: This variant is considered benign. This variant is a silent/synonymous amino acid change and it is not expected to impact splicing.

Labcorp Genetics (formerly Invitae), Labcorp
Classification: Likely benign for Renal cell carcinoma. Last evaluated: 2023-05-09. Review status: criteria provided, single submitter. Criteria: Invitae Variant Classification Sherloc (09022015). Collection method: clinical testing. Allele origin: germline.

Ambry Genetics
Classification: Likely benign for Hereditary cancer-predisposing syndrome. Last evaluated: 2022-11-10. Review status: criteria provided, single submitter. Criteria: Ambry Variant Classification Scheme 2023. Collection method: clinical testing. Allele origin: germline.

NM_000245.4(MET):c.807A>G (p.Leu269=)

Gene: MET (MET proto-oncogene, receptor tyrosine kinase; plus strand). Cytogenetic location: 7q31.2.
Variant type: single nucleotide variant.
Coding change: c.807A>G on transcript NM_000245.4 (MANE Select); coding-DNA position 807, A replaced by G.
Protein change: p.Leu269=; no amino-acid change (leucine 269 retained).
Molecular consequence: synonymous variant. On other transcripts: intron variant (1).
Genome position (GRCh38, 1-based): chr7:116,699,891, A>G. VCF-style: chr7-116699891-A-G. GRCh37 (hg19) VCF-style: chr7-116339945-A-G.
Other names: c.807A>G, p.Leu269= (NM_001127500.3, NM_001324401.3); c.-91+27314A>G (NM_001324402.2).
Identifiers: ClinVar variation 2447316 (VCV002447316.6), dbSNP rs1791503123, ClinGen allele CA457448041.